The following is an entry in ClinVar:

ClinVar aggregate classification (germline): Uncertain significance (1 of 4 stars; one submission).

Submission:

GeneDx
Classification: Uncertain significance. Last evaluated: 2026-09-17. Review status: criteria provided, single submitter. Criteria: GeneDx Variant Classification Process June 2021. Collection method: clinical testing. Allele origin: germline.
Comment: Not observed at significant frequency in large population cohorts (gnomAD); In silico analysis suggests that this missense variant does not alter protein structure/function; Has not been previously published as pathogenic or benign to our knowledge

NM_017934.7(PHIP):c.4420T>A (p.Ser1474Thr)

Genes: IRAK1BP1 (interleukin 1 receptor associated kinase 1 binding protein 1; plus strand), PHIP (PHIP subunit of CUL4-Ring ligase complex; minus strand). Cytogenetic location: 6q14.1.
Variant type: single nucleotide variant.
Coding change: c.4420T>A on transcript NM_017934.7 (MANE Select); coding-DNA position 4420, T replaced by A.
Protein change: p.Ser1474Thr; replaces serine 1474 with threonine.
Molecular consequence: missense variant.
Genome position (GRCh38, 1-based): chr6:78,946,211, A>T on the plus strand (T>A on the coding strand, the complement: PHIP is on the minus strand). VCF-style: chr6-78946211-A-T. GRCh37 (hg19) VCF-style: chr6-79655928-A-T.
Other names: short protein forms S1474T.
Identifiers: ClinVar variation 3373161 (VCV003373161.2).